The following is an entry in ClinVar:

ClinVar aggregate classification (germline): Uncertain significance (1 of 4 stars; one submission).

Conditions:
Biotin-responsive basal ganglia disease (BTBGD). Also called: Thiamine metabolism dysfunction syndrome type 2; Thiamine Transporter-2 Deficiency; Thiamine metabolism dysfunction syndrome 2 (biotin- or thiamine-responsive encephalopathy type 2); thiamine-responsive encephalopathy; THIAMINE METABOLISM DYSFUNCTION SYNDROME 2 (BIOTIN- AND THIAMINE-RESPONSIVE TYPE). Identifiers: Orphanet 199348, Orphanet 65284, MedGen C1843807, MONDO:0011841, OMIM 607483.

Submission:

Labcorp Genetics (formerly Invitae), Labcorp
Classification: Uncertain significance for Biotin-responsive basal ganglia disease. Last evaluated: 2022-10-03. Review status: criteria provided, single submitter. Criteria: Invitae Variant Classification Sherloc (09022015). Collection method: clinical testing. Allele origin: germline.
Comment: In summary, the available evidence is currently insufficient to determine the role of this variant in disease. Therefore, it has been classified as a Variant of Uncertain Significance. Advanced modeling of protein sequence and biophysical properties (such as structural, functional, and spatial information, amino acid conservation, physicochemical variation, residue mobility, and thermodynamic stability) performed at Invitae indicates that this missense variant is not expected to disrupt SLC19A3 protein function. This variant has not been reported in the literature in individuals affected with SLC19A3-related conditions. This variant is not present in population databases (gnomAD no frequency). This sequence change replaces valine, which is neutral and non-polar, with glycine, which is neutral and non-polar, at codon 116 of the SLC19A3 protein (p.Val116Gly).

NM_025243.4(SLC19A3):c.347T>G (p.Val116Gly)

Gene: SLC19A3 (solute carrier family 19 member 3; minus strand). Cytogenetic location: 2q36.3.
Variant type: single nucleotide variant.
Coding change: c.347T>G on transcript NM_025243.4 (MANE Select); coding-DNA position 347, T replaced by G.
Protein change: p.Val116Gly; replaces valine 116 with glycine.
Molecular consequence: missense variant.
Genome position (GRCh38, 1-based): chr2:227,699,368, A>C on the plus strand (T>G on the coding strand, the complement: SLC19A3 is on the minus strand). VCF-style: chr2-227699368-A-C. GRCh37 (hg19) VCF-style: chr2-228564084-A-C.
Other names: c.347T>G, p.Val116Gly (NM_001371411.1, NM_001371412.1); c.335T>G, p.Val112Gly (NM_001371413.1, NM_001371414.1); short protein forms V112G, V116G.
Identifiers: ClinVar variation 2001446 (VCV002001446.4), dbSNP rs1695583014, ClinGen allele CA350877408.